The following is an entry in ClinVar:

NM_000287.4(PEX6):c.1834C>T (p.Leu612Phe)

Gene: PEX6 (peroxisomal biogenesis factor 6; minus strand). Cytogenetic location: 6p21.1.
Variant type: single nucleotide variant.
Coding change: c.1834C>T on transcript NM_000287.4 (MANE Select); coding-DNA position 1834, C replaced by T.
Protein change: p.Leu612Phe; replaces leucine 612 with phenylalanine.
Molecular consequence: missense variant. On other transcripts: non-coding transcript variant (1).
Genome position (GRCh38, 1-based): chr6:42,967,418, G>A on the plus strand (C>T on the coding strand, the complement: PEX6 is on the minus strand). VCF-style: chr6-42967418-G-A. GRCh37 (hg19) VCF-style: chr6-42935156-G-A.
Other names: c.1570C>T, p.Leu524Phe (NM_001316313.2); short protein forms L524F, L612F.
Identifiers: ClinVar variation 1497809 (VCV001497809.5), dbSNP rs750758458, ClinGen allele CA3811210.

ClinVar aggregate classification (germline): Uncertain significance (1 of 4 stars; one submission).

Conditions:
Peroxisome biogenesis disorder. Identifiers: Orphanet 79189, MedGen C1832200, MONDO:0019234. Disease mechanism: loss of function.

Allele frequency attached by ClinVar (database versions not stated): gnomAD exomes below 0.00001 and 0.00001; ExAC 0.00001.
gnomAD v4.1: 4 of 1,613,410 alleles (0.00025%); highest among the groups gnomAD compares: East Asian, 0.0067%; no homozygotes.

Submission:

Labcorp Genetics (formerly Invitae), Labcorp
Classification: Uncertain significance for Peroxisome biogenesis disorder. Last evaluated: 2021-08-31. Review status: criteria provided, single submitter. Criteria: Invitae Variant Classification Sherloc (09022015). Collection method: clinical testing. Allele origin: germline.
Comment: This sequence change replaces leucine with phenylalanine at codon 612 of the PEX6 protein (p.Leu612Phe). The leucine residue is highly conserved and there is a small physicochemical difference between leucine and phenylalanine. This variant is present in population databases (rs750758458, ExAC 0.01%). This variant has not been reported in the literature in individuals affected with PEX6-related conditions. Algorithms developed to predict the effect of missense changes on protein structure and function (SIFT, PolyPhen-2, Align-GVGD) all suggest that this variant is likely to be tolerated. In summary, the available evidence is currently insufficient to determine the role of this variant in disease. Therefore, it has been classified as a Variant of Uncertain Significance.